The following is an entry in ClinVar:

NM_014476.6(PDLIM3):c.399-112C>G

Gene: PDLIM3 (PDZ and LIM domain 3; minus strand). Cytogenetic location: 4q35.1.
Variant type: single nucleotide variant.
Coding change: c.399-112C>G on transcript NM_014476.6 (MANE Select); 112 bases into the intron before coding-DNA position 399, C replaced by G.
Molecular consequence: intron variant.
Genome position (GRCh38, 1-based): chr4:185,508,674, G>C on the plus strand (C>G on the coding strand, the complement: PDLIM3 is on the minus strand). VCF-style: chr4-185508674-G-C. GRCh37 (hg19) VCF-style: chr4-186429828-G-C.
Other names: c.162-2022C>G (NM_001257963.2); c.399-2022C>G (NM_001257962.2); c.519-2022C>G (NM_001114107.5).
Identifiers: ClinVar variation 675752 (VCV000675752.1), dbSNP rs78090600, ClinGen allele CA112044912.
Genomic context (GRCh38, chr4:185,508,674, plus strand): 5'-CCAGACAGAAGAACACAGAGAACACGTACAGAGAGGTTAAAAGGAATTGAAGACAAAAGT[G>C]AGAGGTGAATTACATCAAAATAAAACCAAATCTTGATTTGTCACTAGAATTTATTTATAA-3'

ClinVar aggregate classification (germline): Benign (1 of 4 stars; one submission).

Allele frequency attached by ClinVar (database versions not stated): gnomAD 0.02605 and 0.02781; TOPMed 0.02884; 1000 Genomes Project 0.02955; 1000 Genomes Project 30x 0.03248.
gnomAD v4.1: 6,535 of 1,041,510 alleles (0.63%); highest among the groups gnomAD compares: African/African-American, 9.1%; 300 homozygotes.

Submission:

GeneDx
Classification: Benign. Last evaluated: 2018-06-16. Review status: criteria provided, single submitter. Criteria: GeneDx Variant Classification (06012015). Collection method: clinical testing. Allele origin: germline. Affected: yes.
Comment: This variant is considered likely benign or benign based on one or more of the following criteria: it is a conservative change, it occurs at a poorly conserved position in the protein, it is predicted to be benign by multiple in silico algorithms, and/or has population frequency not consistent with disease.